The following is an entry in ClinVar:

ClinVar aggregate classification (germline): Uncertain significance (1 of 4 stars; one submission).

Allele frequency attached by ClinVar (database versions not stated): gnomAD exomes below 0.00001.
gnomAD v4.1: 1 of 1,613,688 alleles (0.000062%); highest among the groups gnomAD compares: Non-Finnish European, 0.000085%; no homozygotes.

Submission:

Labcorp Genetics (formerly Invitae), Labcorp
Classification: Uncertain significance. Last evaluated: 2025-02-10. Review status: criteria provided, single submitter. Criteria: Invitae Variant Classification Sherloc (09022015). Collection method: clinical testing. Allele origin: germline.
Comment: This sequence change replaces cysteine, which is neutral and slightly polar, with tyrosine, which is neutral and polar, at codon 553 of the ADAMTS18 protein (p.Cys553Tyr). This variant is not present in population databases (gnomAD no frequency). This variant has not been reported in the literature in individuals affected with ADAMTS18-related conditions. ClinVar contains an entry for this variant (Variation ID: 1911892). An algorithm developed to predict the effect of missense changes on protein structure and function (PolyPhen-2) suggests that this variant is likely to be disruptive. Algorithms developed to predict the effect of sequence changes on RNA splicing suggest that this variant may disrupt the consensus splice site. In summary, the available evidence is currently insufficient to determine the role of this variant in disease. Therefore, it has been classified as a Variant of Uncertain Significance.

NM_199355.4(ADAMTS18):c.1658G>A (p.Cys553Tyr)

Gene: ADAMTS18 (ADAM metallopeptidase with thrombospondin type 1 motif 18; minus strand). Cytogenetic location: 16q23.1.
Variant type: single nucleotide variant.
Coding change: c.1658G>A on transcript NM_199355.4 (MANE Select); coding-DNA position 1658, G replaced by A.
Protein change: p.Cys553Tyr; replaces cysteine 553 with tyrosine.
Molecular consequence: missense variant.
Genome position (GRCh38, 1-based): chr16:77,341,756, C>T on the plus strand (G>A on the coding strand, the complement: ADAMTS18 is on the minus strand). VCF-style: chr16-77341756-C-T. GRCh37 (hg19) VCF-style: chr16-77375653-C-T.
Other names: c.1142G>A, p.Cys381Tyr (NM_001326358.2); short protein forms C553Y, C381Y.
Identifiers: ClinVar variation 1911892 (VCV001911892.5), dbSNP rs2543695673, ClinGen allele CA396833175.